The following is an entry in ClinVar:

ClinVar aggregate classification (germline): Uncertain significance (1 of 4 stars; one submission).

Allele frequency attached by ClinVar (database versions not stated): gnomAD exomes below 0.00001.
gnomAD v4.1: 2 of 1,613,792 alleles (0.00012%); highest among the groups gnomAD compares: Non-Finnish European, 0.00017%; no homozygotes.

Submission:

GeneDx
Classification: Uncertain significance. Last evaluated: 2021-05-20. Review status: criteria provided, single submitter. Criteria: GeneDx Variant Classification Process June 2021. Collection method: clinical testing. Allele origin: germline. Affected: yes.
Comment: Not observed in large population cohorts (Lek et al., 2016); In silico analysis supports that this missense variant has a deleterious effect on protein structure/function; Has not been previously published as pathogenic or benign to our knowledge

NM_178335.3(CCDC50):c.218T>C (p.Leu73Pro)

Gene: CCDC50 (coiled-coil domain containing 50; plus strand). Cytogenetic location: 3q28.
Variant type: single nucleotide variant.
Coding change: c.218T>C on transcript NM_178335.3 (MANE Select); coding-DNA position 218, T replaced by C.
Protein change: p.Leu73Pro; replaces leucine 73 with proline.
Molecular consequence: missense variant.
Genome position (GRCh38, 1-based): chr3:191,358,103, T>C. VCF-style: chr3-191358103-T-C. GRCh37 (hg19) VCF-style: chr3-191075892-T-C.
Other names: c.218T>C, p.Leu73Pro (NM_174908.4); short protein forms L73P.
Identifiers: ClinVar variation 1326154 (VCV001326154.2), dbSNP rs2108649071, ClinGen allele CA355761275.